The following is an entry in ClinVar:

ClinVar aggregate classification (germline): Likely pathogenic (1 of 4 stars; one submission).

Conditions:
Hereditary cancer-predisposing syndrome. Also called: Neoplastic Syndromes, Hereditary; Tumor predisposition; Hereditary neoplastic syndrome; Hereditary Cancer Syndrome. Identifiers: Orphanet 140162, MedGen C0027672, MeSH D009386, MONDO:0015356.

Submission:

Ambry Genetics
Classification: Likely pathogenic for Hereditary cancer-predisposing syndrome. Last evaluated: 2024-02-29. Review status: criteria provided, single submitter. Criteria: Ambry Variant Classification Scheme 2023. Collection method: clinical testing. Allele origin: germline.
Comment: The c.8152_8153delTT variant, located in coding exon 15 of the APC gene, results from a deletion of two nucleotides at nucleotide positions 8152 to 8153, causing a translational frameshift with a predicted alternate stop codon (p.L2718Gfs*14). This alteration occurs at the 3' terminus of theAPC gene, is not expected to trigger nonsense-mediated mRNA decay, and only impacts the last 127 amino acids of the protein. However, premature stop codons are typically deleterious in nature and the impacted region is critical for protein function (Ambry internal data). This variant is considered to be rare based on population cohorts in the Genome Aggregation Database (gnomAD). Based on the majority of available evidence to date, this variant is likely to be pathogenic.

NM_000038.6(APC):c.8152_8153del (p.Leu2718fs)

Gene: APC (APC regulator of Wnt signaling pathway; plus strand). Cytogenetic location: 5q22.2.
Variant type: Deletion.
Coding change: c.8152_8153del on transcript NM_000038.6 (MANE Select); coding-DNA positions 8152 to 8153, 2 bases deleted (TT; older notation c.8152_8153delTT).
Protein change: p.Leu2718fs; shifts the reading frame from leucine 2718.
Molecular consequence: frameshift variant. On other transcripts: non-coding transcript variant (2).
Genome position (GRCh38, 1-based): chr5:112,843,746-112,843,747, TT deleted; deleting any 2 consecutive bases within chr5:112,843,745-112,843,747 gives the same sequence; the c. name uses the placement nearest the transcript's 3' end. VCF-style (leftmost placement, unchanged base first): chr5-112843744-GTT-G. GRCh37 (hg19) VCF-style: chr5-112179441-GTT-G.
Other names: c.8152_8153del, p.Leu2718fs (NM_001127510.3, NM_001354895.2, NM_001407450.1); c.8098_8099del, p.Leu2700fs (NM_001127511.3); c.8206_8207del, p.Leu2736fs (NM_001354896.2, NM_001407447.1, NM_001407448.1 and 1 more transcripts); c.8182_8183del, p.Leu2728fs (NM_001354897.2); c.8077_8078del, p.Leu2693fs (NM_001354898.2); c.8068_8069del, p.Leu2690fs (NM_001354899.2); c.8029_8030del, p.Leu2677fs (NM_001354900.2); c.7975_7976del, p.Leu2659fs (NM_001354901.2, NM_001407453.1); and 11 more; short protein forms L2334fs, L2435fs, L2558fs, L2589fs, L2592fs, L2617fs, L2627fs, L2635fs.
Identifiers: ClinVar variation 3231743 (VCV003231743.1), dbSNP rs2533847974, ClinGen allele CA2825001388.